The following is an entry in ClinVar:

ClinVar aggregate classification (germline): Likely pathogenic. Review status: criteria provided, multiple submitters, no conflicts (2 of 4 stars). 4 submissions from 4 submitters: Likely pathogenic (4). Last evaluated 2026-02-25.

Conditions:
CEP290-related ciliopathy. Also called: CEP290 ciliopathy. Identifiers: MedGen CN305601, MONDO:0100451.
Bardet-Biedl syndrome 14 (BBS14). Identifiers: Orphanet 110, MedGen C2673874, MONDO:0014442, OMIM 615991.
Nephronophthisis. Also called: Juvenile Nephronophthisis. Identifiers: Orphanet 655, MedGen C0687120, MONDO:0019005, HP:0000090.
Meckel-Gruber syndrome. Also called: Dysencephalia splachnocystica; DYSENCEPHALIA SPLANCHNOCYSTICA; GRUBER SYNDROME. Identifiers: Orphanet 564, MedGen C0265215, MONDO:0018921.
Joubert syndrome. Also called: JOUBERT-BOLTSHAUSER SYNDROME; Familial aplasia of the vermis. Identifiers: Orphanet 475, MedGen C5979921, MONDO:0018772.
Leber congenital amaurosis (LCA). Also called: Leber's amaurosis. Identifiers: Orphanet 65, MedGen C0339527, MeSH D057130, MONDO:0018998.

Allele frequency attached by ClinVar (database versions not stated): gnomAD 0.00001 and 0.00002; gnomAD exomes 0.00001; TOPMed 0.00002.
gnomAD v4.1: 12 of 1,594,284 alleles (0.00075%); highest among the groups gnomAD compares: Non-Finnish European, 0.001%; no homozygotes.

Submissions (4):

Myriad Genetics, Inc.
Classification: Likely pathogenic for CEP290-related ciliopathy. Last evaluated: 2026-02-25. Review status: criteria provided, single submitter. Criteria: Myriad Autosomal Dominant, Autosomal Recessive and X-Linked Classification Criteria (2023). Collection method: clinical testing. Allele origin: unknown.
Comment: NM_025114.3(CEP290):c.3309+2T>C is a variant in a canonical splice site classified as likely pathogenic in the context of CEP290-related disorders. c.3309+2T>C has not been observed in cases with relevant disease. Relevant functional assessments of this variant are not available in the literature. c.3309+2T>C has not been observed in referenced population frequency databases. In summary, NM_025114.3(CEP290):c.3309+2T>C is a variant in a canonical splice site in a gene where loss of function is a known mechanism of disease and is predicted to disrupt protein function. Please note: this variant was assessed in the context of healthy population screening.

Labcorp Genetics (formerly Invitae), Labcorp
Classification: Likely pathogenic for Joubert syndrome; Meckel-Gruber syndrome; Nephronophthisis. Last evaluated: 2025-08-31. Review status: criteria provided, single submitter. Criteria: Invitae Variant Classification Sherloc (09022015). Collection method: clinical testing. Allele origin: germline.
Comment: This sequence change affects a donor splice site in intron 28 of the CEP290 gene. It is expected to disrupt RNA splicing. Variants that disrupt the donor or acceptor splice site typically lead to a loss of protein function (PMID: 16199547), and loss-of-function variants in CEP290 are known to be pathogenic (PMID: 16909394, 17345604, 20690115). This variant is not present in population databases (gnomAD no frequency). This variant has not been reported in the literature in individuals affected with CEP290-related conditions. ClinVar contains an entry for this variant (Variation ID: 1067937). Algorithms developed to predict the effect of sequence changes on RNA splicing suggest that this variant may disrupt the consensus splice site. In summary, the currently available evidence indicates that the variant is pathogenic, but additional data are needed to prove that conclusively. Therefore, this variant has been classified as Likely Pathogenic.

Natera, Inc.
Classification: Likely pathogenic for Leber congenital amaurosis. Last evaluated: 2024-11-14. Review status: criteria provided, single submitter. Criteria: Natera Variant Classification Schema (03/2026). Collection method: clinical testing. Allele origin: germline.
Comment: The c.3309+2T>C variant in CEP290 is a canonical splice donor site variant predicted to affect pre-mRNA splicing, which may result in an abnormal transcript and altered protein product. This variant is expected to result in nonsense mediated decay, truncation, or a dysfunctional protein product. This variant is rare in the general population with a frequency below the threshold expected for the associated phenotype(s). Given the available evidence, this variant is classified as Likely Pathogenic.

Baylor Genetics
Classification: Likely pathogenic for Bardet-Biedl syndrome 14. Last evaluated: 2023-12-13. Review status: criteria provided, single submitter. Criteria: ACMG Guidelines, 2015. Collection method: clinical testing. Allele origin: unknown.

Literature cited by the submitters: PubMed 16199547 (cited by Labcorp Genetics (formerly Invitae), Labcorp); PubMed 16909394 (cited by Labcorp Genetics (formerly Invitae), Labcorp); PubMed 17345604 (cited by Labcorp Genetics (formerly Invitae), Labcorp); PubMed 20690115 (cited by Labcorp Genetics (formerly Invitae), Labcorp).

NM_025114.4(CEP290):c.3309+2T>C

Gene: CEP290 (centrosomal protein 290; minus strand). Cytogenetic location: 12q21.32.
Variant type: single nucleotide variant.
Coding change: c.3309+2T>C on transcript NM_025114.4 (MANE Select); the canonical splice donor site of the intron after coding-DNA position 3309, T replaced by C.
Molecular consequence: splice donor variant.
Genome position (GRCh38, 1-based): chr12:88,093,768, A>G on the plus strand (T>C on the coding strand, the complement: CEP290 is on the minus strand). VCF-style: chr12-88093768-A-G. GRCh37 (hg19) VCF-style: chr12-88487545-A-G.
Other names: c.3309+2T>C (NM_025114.3).
Identifiers: ClinVar variation 1067937 (VCV001067937.11), dbSNP rs1007902545, ClinGen allele CA241168580.